The following is an entry in ClinVar:

NM_001267550.2(TTN):c.104204C>T (p.Thr34735Met)

Genes: TTN-AS1 (TTN antisense RNA 1; plus strand), TTN (titin; minus strand). Cytogenetic location: 2q31.2.
Variant type: single nucleotide variant.
Coding change: c.104204C>T on transcript NM_001267550.2 (MANE Select); coding-DNA position 104204, C replaced by T.
Protein change: p.Thr34735Met; replaces threonine 34735 with methionine.
Molecular consequence: missense variant.
Genome position (GRCh38, 1-based): chr2:178,532,411, G>A on the plus strand (C>T on the coding strand, the complement: TTN is on the minus strand). VCF-style: chr2-178532411-G-A. GRCh37 (hg19) VCF-style: chr2-179397138-G-A.
Other names: c.99281C>T, p.Thr33094Met (NM_001256850.1); c.77009C>T, p.Thr25670Met (NM_003319.4); c.96500C>T, p.Thr32167Met (NM_133378.4); c.77384C>T, p.Thr25795Met (NM_133432.3); c.77585C>T, p.Thr25862Met (NM_133437.4); c.104204C>T (NM_001267550.1); short protein forms T32167M, T34735M, T25795M, T25862M, T33094M, T25670M.
Identifiers: ClinVar variation 290453 (VCV000290453.15), dbSNP rs755986938, ClinGen allele CA1985465.
Genomic context (GRCh38, chr2:178,532,411, plus strand): 5'-TACGCAGCCTGGGCATGCCGTTCCCTCAGTTCTGCATAACTTGTACTAGCTTCAGCCTTC[G>A]TTGGGATGTGATAGGTTGAATACCTGAAGTCTTTTCTTGTTTCCTCCACCTTGACATGAG-3'
Protein context (NP_001254479.2, residues 34725-34745): DFRYSTYHIP[Thr34735Met]KAEASTSYAE

ClinVar aggregate classification (germline): Uncertain significance. Review status: criteria provided, multiple submitters, no conflicts (2 of 4 stars). 5 submissions from 5 submitters: Uncertain significance (5). Last evaluated 2026-01-27.

Conditions:
Cardiovascular phenotype. Identifiers: MedGen CN230736.
Autosomal recessive limb-girdle muscular dystrophy type 2J (LGMDR10). Also called: Limb-girdle muscular dystrophy, type 2J; MUSCULAR DYSTROPHY, LIMB-GIRDLE, AUTOSOMAL RECESSIVE 10. Identifiers: Orphanet 140922, MedGen C1837342, MONDO:0012127, OMIM 608807.
Dilated cardiomyopathy 1G (CMD1G). Identifiers: Orphanet 154, MedGen C1858763, MONDO:0011400, OMIM 604145.
Tibial muscular dystrophy (TMD). Also called: Tibial muscular dystrophy, tardive; UDD MYOPATHY; Udd Distal Myopathy – Tibial Muscular Dystrophy. Identifiers: Orphanet 609, MedGen C1838244, MONDO:0010870, OMIM 600334.
Hypertrophic cardiomyopathy 9. Also called: Familial hypertrophic cardiomyopathy 9. Identifiers: MedGen C1861065, MONDO:0013412, OMIM 613765.
Myopathy, myofibrillar, 9, with early respiratory failure (MFM9). Also called: Hereditary myopathy with early respiratory failure; EDSTROM MYOPATHY; MYOPATHY, PROXIMAL, WITH EARLY RESPIRATORY MUSCLE INVOLVEMENT; Myopathy, distal, with early respiratory failure, autosomal dominant. Identifiers: Orphanet 178464, Orphanet 34521, MedGen C1863599, MONDO:0011362, OMIM 603689.
Early-onset myopathy with fatal cardiomyopathy (CMYO5). Also called: Salih Myopathy; CONGENITAL MYOPATHY 5 WITH CARDIOMYOPATHY. Identifiers: Orphanet 289377, MedGen C2673677, MONDO:0012714, OMIM 611705. Disease mechanism: loss of function.

Allele frequency attached by ClinVar (database versions not stated): ExAC 0.00002; gnomAD exomes 0.00002; TOPMed 0.00002; gnomAD 0.00004.
gnomAD v4.1: 36 of 1,613,848 alleles (0.0022%); highest among the groups gnomAD compares: African/African-American, 0.012%; no homozygotes.

Submissions (5):

Labcorp Genetics (formerly Invitae), Labcorp
Classification: Uncertain significance for Dilated cardiomyopathy 1G; Autosomal recessive limb-girdle muscular dystrophy type 2J. Last evaluated: 2026-01-27. Review status: criteria provided, single submitter. Criteria: Invitae Variant Classification Sherloc (09022015). Collection method: clinical testing. Allele origin: germline.
Comment: This sequence change replaces threonine, which is neutral and polar, with methionine, which is neutral and non-polar, at codon 34735 of the TTN protein (p.Thr34735Met). This variant is present in population databases (rs755986938, gnomAD 0.01%). This variant has not been reported in the literature in individuals affected with TTN-related conditions. ClinVar contains an entry for this variant (Variation ID: 290453). Experimental studies and prediction algorithms are not available or were not evaluated, and the functional significance of this variant is currently unknown. This variant is located in the M band of TTN (PMID: 25589632). Non-truncating variants in this region may be relevant for neuromuscular disorders, but have not been definitively shown to cause cardiomyopathy (PMID: 23975875). In summary, the available evidence is currently insufficient to determine the role of this variant in disease. Therefore, it has been classified as a Variant of Uncertain Significance.

GeneDx
Classification: Uncertain significance. Last evaluated: 2024-03-15. Review status: criteria provided, single submitter. Criteria: GeneDx Variant Classification Process June 2021. Collection method: clinical testing. Allele origin: germline. Affected: yes.
Comment: Not observed at significant frequency in large population cohorts (gnomAD); Missense variant in a gene in which most reported pathogenic variants are truncating/loss-of-function; Has not been previously published as pathogenic or benign to our knowledge

Fulgent Genetics
Classification: Uncertain significance for Tibial muscular dystrophy; Myopathy, myofibrillar, 9, with early respiratory failure; Dilated cardiomyopathy 1G; Autosomal recessive limb-girdle muscular dystrophy type 2J; Early-onset myopathy with fatal cardiomyopathy; Hypertrophic cardiomyopathy 9. Last evaluated: 2021-10-31. Review status: criteria provided, single submitter. Criteria: ACMG Guidelines, 2015. Collection method: clinical testing. Allele origin: unknown.

Ambry Genetics
Classification: Uncertain significance for Cardiovascular phenotype. Last evaluated: 2019-11-13. Review status: criteria provided, single submitter. Criteria: Ambry Variant Classification Scheme 2023. Collection method: clinical testing. Allele origin: germline.
Comment: The p.T25670M variant (also known as c.77009C>T), located in coding exon 185 of the TTN gene, results from a C to T substitution at nucleotide position 77009. The threonine at codon 25670 is replaced by methionine, an amino acid with similar properties. This amino acid position is not well conserved in available vertebrate species. In addition, this alteration is predicted to be tolerated by in silico analysis. Since supporting evidence is limited at this time, the clinical significance of this alteration remains unclear.

Eurofins Ntd Llc (ga)
Classification: Uncertain significance. Last evaluated: 2016-09-22. Review status: criteria provided, single submitter. Criteria: EGL Classification Definitions 2015. Collection method: clinical testing. Allele origin: germline. Observed: 1 variant allele, 1 heterozygote.

Literature cited by the submitters: PubMed 25589632 (cited by Labcorp Genetics (formerly Invitae), Labcorp); PubMed 23975875 (cited by Labcorp Genetics (formerly Invitae), Labcorp).